The following is an entry in ClinVar:

NM_025132.4(WDR19):c.3355G>A (p.Ala1119Thr)

Gene: WDR19 (WD repeat domain 19; plus strand). Cytogenetic location: 4p14.
Variant type: single nucleotide variant.
Coding change: c.3355G>A on transcript NM_025132.4 (MANE Select); coding-DNA position 3355, G replaced by A.
Protein change: p.Ala1119Thr; replaces alanine 1119 with threonine.
Molecular consequence: missense variant.
Genome position (GRCh38, 1-based): chr4:39,268,088, G>A. VCF-style: chr4-39268088-G-A. GRCh37 (hg19) VCF-style: chr4-39269708-G-A.
Other names: c.2875G>A, p.Ala959Thr (NM_001317924.2); short protein forms A1119T, A959T.
Identifiers: ClinVar variation 1481140 (VCV001481140.8), dbSNP rs915717367, ClinGen allele CA356645400.

ClinVar aggregate classification (germline): Uncertain significance (1 of 4 stars; one submission).

Conditions:
Asphyxiating thoracic dystrophy 5 (SRTD5). Also called: SHORT-RIB THORACIC DYSPLASIA 5 WITH OR WITHOUT POLYDACTYLY; SHORT-RIB THORACIC DYSPLASIA 5 WITHOUT POLYDACTYLY. Identifiers: Orphanet 474, MedGen C3280598, MONDO:0013717, OMIM 614376.
Senior-Loken syndrome 8 (SLSN8). Identifiers: Orphanet 3156, MedGen C4225376, MONDO:0014579, OMIM 616307.

Submission:

Labcorp Genetics (formerly Invitae), Labcorp
Classification: Uncertain significance for Senior-Loken syndrome 8; Asphyxiating thoracic dystrophy 5. Last evaluated: 2022-11-01. Review status: criteria provided, single submitter. Criteria: Invitae Variant Classification Sherloc (09022015). Collection method: clinical testing. Allele origin: germline.
Comment: This variant has not been reported in the literature in individuals affected with WDR19-related conditions. This variant is not present in population databases (gnomAD no frequency). This sequence change replaces alanine, which is neutral and non-polar, with threonine, which is neutral and polar, at codon 1119 of the WDR19 protein (p.Ala1119Thr). ClinVar contains an entry for this variant (Variation ID: 1481140). In summary, the available evidence is currently insufficient to determine the role of this variant in disease. Therefore, it has been classified as a Variant of Uncertain Significance. Advanced modeling of protein sequence and biophysical properties (such as structural, functional, and spatial information, amino acid conservation, physicochemical variation, residue mobility, and thermodynamic stability) performed at Invitae indicates that this missense variant is not expected to disrupt WDR19 protein function.